The following is an entry in ClinVar:

NM_001174089.2(SLC4A11):c.56C>T (p.Thr19Ile)

Gene: SLC4A11 (solute carrier family 4 member 11; minus strand). Cytogenetic location: 20p13.
Variant type: single nucleotide variant.
Coding change: c.56C>T on transcript NM_001174089.2 (MANE Select); coding-DNA position 56, C replaced by T.
Protein change: p.Thr19Ile; replaces threonine 19 with isoleucine.
Molecular consequence: missense variant. On other transcripts: 5 prime UTR variant (3), non-coding transcript variant (3).
Genome position (GRCh38, 1-based): chr20:3,237,576, G>A on the plus strand (C>T on the coding strand, the complement: SLC4A11 is on the minus strand). VCF-style: chr20-3237576-G-A. GRCh37 (hg19) VCF-style: chr20-3218222-G-A.
Other names: c.185C>T, p.Thr62Ile (NM_001174090.2, NM_001400280.1); c.56C>T, p.Thr19Ile (NM_001363745.2); c.-2C>T (NM_001400277.1, NM_001400278.1, NM_001400279.1); c.104C>T, p.Thr35Ile (NM_032034.4); short protein forms T35I, T62I, T19I.
Identifiers: ClinVar variation 2056899 (VCV002056899.1), dbSNP rs1367764725, ClinGen allele CA408064741.
Genomic context (GRCh38, chr20:3,237,576, plus strand): 5'-ACACACACACTCCCCGAGAGGTACTCACTTGAATCCTCGAAGTATCCATTCTGCGACATG[G>A]TGGGAGAGTTTTCTGCAAGGGAAGCAGAAAGGTCACCAGCCCCATGGACCAAGCCCTGGA-3'
Protein context (NP_001167560.1, residues 9-29): FHLQPCENSP[Thr19Ile]MSQNGYFEDS

ClinVar aggregate classification (germline): Uncertain significance (1 of 4 stars; one submission).

Allele frequency attached by ClinVar (database versions not stated): TOPMed below 0.00001.

Submission:

Labcorp Genetics (formerly Invitae), Labcorp
Classification: Uncertain significance. Last evaluated: 2022-03-09. Review status: criteria provided, single submitter. Criteria: Invitae Variant Classification Sherloc (09022015). Collection method: clinical testing. Allele origin: germline.
Comment: This sequence change replaces threonine, which is neutral and polar, with isoleucine, which is neutral and non-polar, at codon 35 of the SLC4A11 protein (p.Thr35Ile). This variant is present in population databases (no rsID available, gnomAD 0.003%). This variant has not been reported in the literature in individuals affected with SLC4A11-related conditions. Algorithms developed to predict the effect of missense changes on protein structure and function output the following: SIFT: "Deleterious"; PolyPhen-2: "Benign"; Align-GVGD: "Class C0". The isoleucine amino acid residue is found in multiple mammalian species, which suggests that this missense change does not adversely affect protein function. In summary, the available evidence is currently insufficient to determine the role of this variant in disease. Therefore, it has been classified as a Variant of Uncertain Significance.